The following is an entry in ClinVar:

ClinVar aggregate classification (germline): Uncertain significance (1 of 4 stars; one submission).

Allele frequency attached by ClinVar (database versions not stated): gnomAD exomes below 0.00001.
gnomAD v4.1: 4 of 1,614,200 alleles (0.00025%); highest among the groups gnomAD compares: Non-Finnish European, 0.00034%; no homozygotes.

Submission:

Labcorp Genetics (formerly Invitae), Labcorp
Classification: Uncertain significance. Last evaluated: 2023-11-20. Review status: criteria provided, single submitter. Criteria: Invitae Variant Classification Sherloc (09022015). Collection method: clinical testing. Allele origin: germline.
Comment: This sequence change replaces valine, which is neutral and non-polar, with isoleucine, which is neutral and non-polar, at codon 1812 of the VPS13D protein (p.Val1812Ile). This variant is not present in population databases (gnomAD no frequency). This variant has not been reported in the literature in individuals affected with VPS13D-related conditions. Advanced modeling of protein sequence and biophysical properties (such as structural, functional, and spatial information, amino acid conservation, physicochemical variation, residue mobility, and thermodynamic stability) performed at Invitae indicates that this missense variant is not expected to disrupt VPS13D protein function with a negative predictive value of 80%. In summary, the available evidence is currently insufficient to determine the role of this variant in disease. Therefore, it has been classified as a Variant of Uncertain Significance.

NM_015378.4(VPS13D):c.5434G>A (p.Val1812Ile)

Gene: VPS13D (vacuolar protein sorting 13 homolog D; plus strand). Cytogenetic location: 1p36.22.
Variant type: single nucleotide variant.
Coding change: c.5434G>A on transcript NM_015378.4 (MANE Select); coding-DNA position 5434, G replaced by A.
Protein change: p.Val1812Ile; replaces valine 1812 with isoleucine.
Molecular consequence: missense variant.
Genome position (GRCh38, 1-based): chr1:12,283,536, G>A. VCF-style: chr1-12283536-G-A. GRCh37 (hg19) VCF-style: chr1-12343593-G-A.
Other names: c.5434G>A, p.Val1812Ile (NM_018156.4); short protein forms V1812I.
Identifiers: ClinVar variation 2750167 (VCV002750167.3), dbSNP rs2524055751, ClinGen allele CA338483676.
Genomic context (GRCh38, chr1:12,283,536, plus strand): 5'-GTAGATAAGAAACATCCAGAATTCTCTTCCAGTTACAATCGAGTTAACCGGAGCATTGAT[G>A]TTGATTTTAATTGCTTGGATGTGCTGATCACACTGCAAACCTGGGTTGTGATATTAGACT-3'
Protein context (NP_056193.2, residues 1802-1822): SYNRVNRSID[Val1812Ile]DFNCLDVLIT